The following is an entry in ClinVar:

NM_000808.4(GABRA3):c.811C>T (p.Leu271Phe)

Gene: GABRA3 (gamma-aminobutyric acid type A receptor subunit alpha3; minus strand). Cytogenetic location: Xq28.
Variant type: single nucleotide variant.
Coding change: c.811C>T on transcript NM_000808.4 (MANE Select); coding-DNA position 811, C replaced by T.
Protein change: p.Leu271Phe; replaces leucine 271 with phenylalanine.
Molecular consequence: missense variant.
Genome position (GRCh38, 1-based): chrX:152,197,753, G>A on the plus strand (C>T on the coding strand, the complement: GABRA3 is on the minus strand). VCF-style: chrX-152197753-G-A. GRCh37 (hg19) VCF-style: chrX-151366225-G-A.
Other names: short protein forms L271F.
Identifiers: ClinVar variation 4532329 (VCV004532329.1).

ClinVar aggregate classification (germline): Uncertain significance (1 of 4 stars; one submission).

Submission:

GeneDx
Classification: Uncertain significance. Last evaluated: 2024-06-21. Review status: criteria provided, single submitter. Criteria: GeneDx Variant Classification Process June 2021. Collection method: clinical testing. Allele origin: germline. Affected: yes.
Comment: Not observed at significant frequency in large population cohorts (gnomAD); In silico analysis supports that this missense variant has a deleterious effect on protein structure/function; Has not been previously published as pathogenic or benign to our knowledge; Variants in candidate genes are classified as variants of uncertain significance in accordance with ACMG guidelines (PMID: 25741868)